The following is an entry in ClinVar:

ClinVar aggregate classification (germline): Likely benign. Review status: criteria provided, multiple submitters, no conflicts (2 of 4 stars). 2 submissions from 2 submitters: Likely benign (2). Last evaluated 2026-08-01.

Allele frequency attached by ClinVar (database versions not stated): ExAC 0.00007; ESP Exome Variant Server 0.00008; TOPMed 0.00008; gnomAD exomes 0.00011; gnomAD 0.00012 and 0.00013.
gnomAD v4.1: 65 of 1,613,968 alleles (0.004%); highest among the groups gnomAD compares: Admixed American, 0.075%; no homozygotes.

Submissions (2):

CeGaT Center for Human Genetics Tuebingen
Classification: Likely benign. Last evaluated: 2026-08-01. Review status: criteria provided, single submitter. Criteria: CeGaT Center For Human Genetics Tuebingen Variant Classification Criteria Version 2. Collection method: clinical testing. Allele origin: germline. Affected: yes. Observed: 1 variant allele.
Comment: MTMR14: BP4, BP7

Labcorp Genetics (formerly Invitae), Labcorp
Classification: Likely benign. Last evaluated: 2026-01-07. Review status: criteria provided, single submitter. Criteria: Invitae Variant Classification Sherloc (09022015). Collection method: clinical testing. Allele origin: germline.

NM_001077525.3(MTMR14):c.1068G>A (p.Thr356=)

Gene: MTMR14 (myotubularin related protein 14; plus strand). Cytogenetic location: 3p25.3.
Variant type: single nucleotide variant.
Coding change: c.1068G>A on transcript NM_001077525.3 (MANE Select); coding-DNA position 1068, G replaced by A.
Protein change: p.Thr356=; no amino-acid change (threonine 356 retained).
Molecular consequence: synonymous variant.
Genome position (GRCh38, 1-based): chr3:9,684,905, G>A. VCF-style: chr3-9684905-G-A. GRCh37 (hg19) VCF-style: chr3-9726589-G-A.
Other names: c.1068G>A, p.Thr356= (NM_001077526.3, NM_022485.5).
Identifiers: ClinVar variation 773958 (VCV000773958.8), dbSNP rs369794179, ClinGen allele CA2240597.